The following is an entry in ClinVar:

NM_001282531.3(ADNP):c.887G>A (p.Arg296Gln)

Gene: ADNP (activity dependent neuroprotector homeobox; minus strand). Cytogenetic location: 20q13.13.
Variant type: single nucleotide variant.
Coding change: c.887G>A on transcript NM_001282531.3 (MANE Select); coding-DNA position 887, G replaced by A.
Protein change: p.Arg296Gln; replaces arginine 296 with glutamine.
Molecular consequence: missense variant.
Genome position (GRCh38, 1-based): chr20:50,893,827, C>T on the plus strand (G>A on the coding strand, the complement: ADNP is on the minus strand). VCF-style: chr20-50893827-C-T. GRCh37 (hg19) VCF-style: chr20-49510364-C-T.
Other names: c.887G>A, p.Arg296Gln (NM_001282532.2, NM_001347511.2, NM_015339.5 and 1 more transcripts); short protein forms R296Q.
Identifiers: ClinVar variation 1764962 (VCV001764962.5), dbSNP rs767858345, ClinGen allele CA9908820.

ClinVar aggregate classification (germline): Uncertain significance. Review status: criteria provided, multiple submitters, no conflicts (2 of 4 stars). 2 submissions from 2 submitters: Uncertain significance (2). Last evaluated 2022-11-11.

Conditions:
Inborn genetic diseases. Identifiers: MedGen C0950123, MeSH D030342.

Allele frequency attached by ClinVar (database versions not stated): gnomAD exomes below 0.00001; TOPMed 0.00001; ExAC 0.00002.
gnomAD v4.1: 6 of 1,614,120 alleles (0.00037%); highest among the groups gnomAD compares: South Asian, 0.0033%; no homozygotes.

Submissions (2):

Labcorp Genetics (formerly Invitae), Labcorp
Classification: Uncertain significance. Last evaluated: 2022-11-11. Review status: criteria provided, single submitter. Criteria: Invitae Variant Classification Sherloc (09022015). Collection method: clinical testing. Allele origin: germline.
Comment: This sequence change replaces arginine, which is basic and polar, with glutamine, which is neutral and polar, at codon 296 of the ADNP protein (p.Arg296Gln). This variant is present in population databases (rs767858345, gnomAD 0.003%). This variant has not been reported in the literature in individuals affected with ADNP-related conditions. Algorithms developed to predict the effect of missense changes on protein structure and function are either unavailable or do not agree on the potential impact of this missense change (SIFT: "Not Available"; PolyPhen-2: "Probably Damaging"; Align-GVGD: "Not Available"). In summary, the available evidence is currently insufficient to determine the role of this variant in disease. Therefore, it has been classified as a Variant of Uncertain Significance.

Ambry Genetics
Classification: Uncertain significance for Inborn genetic diseases. Last evaluated: 2019-11-05. Review status: criteria provided, single submitter. Criteria: Ambry Variant Classification Scheme 2023. Collection method: clinical testing. Allele origin: germline.
Comment: The p.R296Q variant (also known as c.887G>A), located in coding exon 3 of the ADNP gene, results from a G to A substitution at nucleotide position 887. The arginine at codon 296 is replaced by glutamine, an amino acid with highly similar properties. This amino acid position is highly conserved in available vertebrate species. In addition, the in silico prediction for this alteration is inconclusive. Since supporting evidence is limited at this time, the clinical significance of this alteration remains unclear.